The following is an entry in ClinVar:

NM_000038.6(APC):c.6905C>A (p.Ser2302Ter)

Gene: APC (APC regulator of Wnt signaling pathway; plus strand). Cytogenetic location: 5q22.2.
Variant type: single nucleotide variant.
Coding change: c.6905C>A on transcript NM_000038.6 (MANE Select); coding-DNA position 6905, C replaced by A.
Protein change: p.Ser2302Ter; replaces serine 2302 with a stop codon.
Molecular consequence: nonsense. On other transcripts: non-coding transcript variant (2).
Genome position (GRCh38, 1-based): chr5:112,842,499, C>A. VCF-style: chr5-112842499-C-A. GRCh37 (hg19) VCF-style: chr5-112178196-C-A.
Other names: c.6782C>A, p.Ser2261Ter (NM_001354900.2); c.6830C>A, p.Ser2277Ter (NM_001354898.2); c.6821C>A, p.Ser2274Ter (NM_001354899.2); c.6905C>A, p.Ser2302Ter (NM_001127510.3, NM_001354895.2, NM_001407450.1); c.6851C>A, p.Ser2284Ter (NM_001127511.3); c.6959C>A, p.Ser2320Ter (NM_001354896.2, NM_001407447.1, NM_001407448.1 and 1 more transcripts); c.6935C>A, p.Ser2312Ter (NM_001354897.2); c.6884C>A, p.Ser2295Ter (NM_001407451.1); and 11 more; short protein forms S2176*, S2211*, S2219*, S2292*, S2302*, S2330*, S1918*, S2019*.
Identifiers: ClinVar variation 3305603 (VCV003305603.1).
Genomic context (GRCh38, chr5:112,842,499, plus strand): 5'-TAAGCCCTGTTGCCAGGCAGACATCCCAAATAGGTGGGTCAAGTAAAGCACCTTCTAGAT[C>A]AGGATCTAGAGATTCGACCCCTTCAAGACCTGCCCAGCAACCATTAAGTAGACCTATACA-3'

ClinVar aggregate classification (germline): Likely pathogenic (1 of 4 stars; one submission).

Conditions:
Hereditary cancer-predisposing syndrome. Also called: Tumor predisposition; Hereditary Cancer Syndrome; Hereditary neoplastic syndrome; Neoplastic Syndromes, Hereditary. Identifiers: Orphanet 140162, MedGen C0027672, MeSH D009386, MONDO:0015356.

Submission:

Ambry Genetics
Classification: Likely pathogenic for Hereditary cancer-predisposing syndrome. Last evaluated: 2024-06-19. Review status: criteria provided, single submitter. Criteria: Ambry Variant Classification Scheme 2023. Collection method: clinical testing. Allele origin: germline.
Comment: The p.S2302* variant (also known as c.6905C>A), located in coding exon 15 of the APC gene, results from a C to A substitution at nucleotide position 6905. This changes the amino acid from a serine to a stop codon within coding exon 15. This alteration occurs at the 3' terminus of theAPC gene, is not expected to trigger nonsense-mediated mRNA decay, and only impacts the last 19% of the protein. However, premature stop codons are typically deleterious in nature and a significant portion of the protein is affected (Ambry internal data). This variant is considered to be rare based on population cohorts in the Genome Aggregation Database (gnomAD). Based on the majority of available evidence to date, this variant is likely to be pathogenic.